The following is an entry in ClinVar:

ClinVar aggregate classification (germline): Uncertain significance (1 of 4 stars; one submission).

gnomAD v4.1: 3 of 764,986 alleles (0.00039%); highest among the groups gnomAD compares: East Asian, 0.0024%; no homozygotes.

Submission:

Labcorp Genetics (formerly Invitae), Labcorp
Classification: Uncertain significance. Last evaluated: 2023-07-10. Review status: criteria provided, single submitter. Criteria: Invitae Variant Classification Sherloc (09022015). Collection method: clinical testing. Allele origin: germline.
Comment: This variant occurs in the SNORD118 gene, which encodes an RNA molecule that does not result in a protein product. This variant is present in population databases (no rsID available, gnomAD 0.007%). This variant has not been reported in the literature in individuals affected with SNORD118-related conditions. ClinVar contains an entry for this variant (Variation ID: 2030030). Experimental studies and prediction algorithms are not available or were not evaluated, and the functional significance of this variant is currently unknown. In summary, the available evidence is currently insufficient to determine the role of this variant in disease. Therefore, it has been classified as a Variant of Uncertain Significance.

NR_033294.2(SNORD118):n.18T>A

Genes: SNORD118 (small nucleolar RNA, C/D box 118; minus strand), TMEM107 (transmembrane protein 107; minus strand). Cytogenetic location: 17p13.1.
Variant type: single nucleotide variant.
Molecular consequence: non-coding transcript variant (on NR_033294.2). On other transcripts: 3 prime UTR variant (5).
Genome position: GRCh38 VCF-style: chr17-8173571-A-T. GRCh37 (hg19) VCF-style: chr17-8076889-A-T.
Other names: c.*632T>A (NM_001351278.2, NM_001351279.2, NM_001351280.2 and 2 more transcripts).
Identifiers: ClinVar variation 2030030 (VCV002030030.4), dbSNP rs1476705853, ClinGen allele CA497957278.